The following is an entry in ClinVar:

NM_003051.4(SLC16A1):c.362-58TATT[13]

Gene: SLC16A1 (solute carrier family 16 member 1; minus strand). Cytogenetic location: 1p13.2.
Variant type: Microsatellite.
Coding change: c.362-58TATT[13] on transcript NM_003051.4 (MANE Select); 13 copies in a row of the 4-base unit TATT starting at c.362-58; the reference has 12 copies in a row; one copy, 4 bases duplicated.
Molecular consequence: intron variant.
Genome position (GRCh38, 1-based): chr1:112,918,055-112,918,058, AATA duplicated on the plus strand (TATT on the coding strand, the reverse complement: SLC16A1 is on the minus strand); duplicating any 4 consecutive bases within chr1:112,918,055-112,918,103 gives the same sequence; the position shown is the placement nearest the transcript's 3' end. VCF-style (leftmost placement, unchanged base first): chr1-112918054-C-CAATA. GRCh37 (hg19) VCF-style: chr1-113460676-C-CAATA.
Other names: p.?; c.362-58TATT[13] (NM_001166496.2).
Identifiers: ClinVar variation 1336772 (VCV001336772.37), dbSNP rs149491709, ClinGen allele CA525542553.

ClinVar aggregate classification (germline): Conflicting classifications of pathogenicity. Review status: criteria provided, conflicting classifications (1 of 4 stars). 5 submissions from 5 submitters: Uncertain significance (1); Benign (1); Likely benign (3). Last evaluated 2026-02-03.

Submissions (5):

Labcorp Genetics (formerly Invitae), Labcorp
Classification: Likely benign. Last evaluated: 2026-02-03. Review status: criteria provided, single submitter. Criteria: Invitae Variant Classification Sherloc (09022015). Collection method: clinical testing. Allele origin: germline.

Blueprint Genetics
Classification: Likely benign. Last evaluated: 2024-11-22. Review status: criteria provided, single submitter. Criteria: ACMG Guidelines, 2015. Collection method: clinical testing. Allele origin: germline.

Mayo Clinic Laboratories, Mayo Clinic
Classification: Benign. Last evaluated: 2024-11-06. Review status: criteria provided, single submitter. Criteria: ACMG Guidelines, 2015. Collection method: clinical testing. Allele origin: germline. Observed: 1 variant allele.
Comment: BA1

CeGaT Center for Human Genetics Tuebingen
Classification: Likely benign. Last evaluated: 2022-11-01. Review status: criteria provided, single submitter. Criteria: CeGaT Center For Human Genetics Tuebingen Variant Classification Criteria Version 2. Collection method: clinical testing. Allele origin: germline. Affected: yes. Observed: 1 variant allele.
Comment: SLC16A1: BS2

Genetic Services Laboratory, University of Chicago
Classification: Uncertain significance. Last evaluated: 2019-11-11. Review status: criteria provided, single submitter. Criteria: ACMG Guidelines, 2015. Collection method: clinical testing. Allele origin: germline. Affected: no.